The following is an entry in ClinVar:

NM_000702.4(ATP1A2):c.2281G>A (p.Glu761Lys)

Gene: ATP1A2 (ATPase Na+/K+ transporting subunit alpha 2; plus strand). Cytogenetic location: 1q23.2.
Variant type: single nucleotide variant.
Coding change: c.2281G>A on transcript NM_000702.4 (MANE Select); coding-DNA position 2281, G replaced by A.
Protein change: p.Glu761Lys; replaces glutamic acid 761 with lysine.
Molecular consequence: missense variant.
Genome position (GRCh38, 1-based): chr1:160,135,599, G>A. VCF-style: chr1-160135599-G-A. GRCh37 (hg19) VCF-style: chr1-160105389-G-A.
Other names: short protein forms E761K.
Identifiers: ClinVar variation 2702313 (VCV002702313.3), dbSNP rs2524887609, ClinGen allele CA343249683.

ClinVar aggregate classification (germline): Uncertain significance (1 of 4 stars; one submission).

Conditions:
Familial hemiplegic migraine. Identifiers: MedGen C0338484, MONDO:0000700.

Submission:

Labcorp Genetics (formerly Invitae), Labcorp
Classification: Uncertain significance for Familial hemiplegic migraine. Last evaluated: 2024-10-15. Review status: criteria provided, single submitter. Criteria: Invitae Variant Classification Sherloc (09022015). Collection method: clinical testing. Allele origin: germline.
Comment: This sequence change replaces glutamic acid, which is acidic and polar, with lysine, which is basic and polar, at codon 761 of the ATP1A2 protein (p.Glu761Lys). This variant is not present in population databases (gnomAD no frequency). This variant has not been reported in the literature in individuals affected with ATP1A2-related conditions. Invitae Evidence Modeling of protein sequence and biophysical properties (such as structural, functional, and spatial information, amino acid conservation, physicochemical variation, residue mobility, and thermodynamic stability) indicates that this missense variant is expected to disrupt ATP1A2 protein function with a positive predictive value of 80%. In summary, the available evidence is currently insufficient to determine the role of this variant in disease. Therefore, it has been classified as a Variant of Uncertain Significance.